The following is an entry in ClinVar:

NM_004366.6(CLCN2):c.268G>C (p.Asp90His)

Gene: CLCN2 (chloride voltage-gated channel 2; minus strand). Cytogenetic location: 3q27.1.
Variant type: single nucleotide variant.
Coding change: c.268G>C on transcript NM_004366.6 (MANE Select); coding-DNA position 268, G replaced by C.
Protein change: p.Asp90His; replaces aspartic acid 90 with histidine.
Molecular consequence: missense variant. On other transcripts: intron variant (1).
Genome position (GRCh38, 1-based): chr3:184,358,766, C>G on the plus strand (G>C on the coding strand, the complement: CLCN2 is on the minus strand). VCF-style: chr3-184358766-C-G. GRCh37 (hg19) VCF-style: chr3-184076554-C-G.
Other names: c.268G>C, p.Asp90His (NM_001171087.3, NM_001171089.3); c.220+209G>C (NM_001171088.3); short protein forms D90H.
Identifiers: ClinVar variation 1537500 (VCV001537500.9), dbSNP rs117247760, ClinGen allele CA2734543.
Genomic context (GRCh38, chr3:184,358,766, plus strand): 5'-AGTCCATGACCCAGCTGACCAATGCCATGAGAAGCCCCAGCAGGACCAGGAAGATCCAAT[C>G]TTCACCAACCCTGGATACTAGGAACTTGTGGCAGCGGACAGAACAGACTGGGTGCAGGGA-3'
Protein context (NP_004357.3, residues 80-100): HKFLVSRVGE[Asp90His]WIFLVLLGLL

ClinVar aggregate classification (germline): Conflicting classifications of pathogenicity. Review status: criteria provided, conflicting classifications (1 of 4 stars). 2 submissions from 2 submitters: Uncertain significance (1); Likely benign (1). Last evaluated 2026-05-07.

Allele frequency attached by ClinVar (database versions not stated): 1000 Genomes Project 0.00020; gnomAD 0.00020 and 0.00019; ExAC 0.00032; 1000 Genomes Project 30x 0.00016; TOPMed 0.00019; gnomAD exomes 0.00021.
gnomAD v4.1: 117 of 1,610,804 alleles (0.0073%); highest among the groups gnomAD compares: East Asian, 0.15%; 1 homozygote.

Submissions (2):

Women's Health and Genetics/Laboratory Corporation of America, LabCorp
Classification: Uncertain significance. Last evaluated: 2026-05-07. Review status: criteria provided, single submitter. Criteria: LabCorp Variant Classification Summary - May 2015. Collection method: clinical testing. Allele origin: germline.
Comment: Variant summary: CLCN2 c.268G>C (p.Asp90His) results in a non-conservative amino acid change in the encoded protein sequence. Algorithms developed to predict the effect of missense changes on protein structure and function all suggest that this variant is likely to be disruptive. The variant allele was found at a frequency of 0.00021 in 243702 control chromosomes. This frequency is not significantly higher than estimated for disease-causing variants in CLCN2, allowing no conclusion about variant significance. c.268G>C has been observed in one individual affected with Dravet Syndrome (Hammer_2017). The report does not provide unequivocal conclusions about association of the variant with CLCN2-Related Disorders. To our knowledge, no experimental evidence demonstrating an impact on protein function has been reported. The following publication have been ascertained in the context of this evaluation (PMID: 28686619). ClinVar contains an entry for this variant (Variation ID: 1537500). Based on the evidence outlined above, the variant was classified as uncertain significance.

Labcorp Genetics (formerly Invitae), Labcorp
Classification: Likely benign. Last evaluated: 2025-11-12. Review status: criteria provided, single submitter. Criteria: Invitae Variant Classification Sherloc (09022015). Collection method: clinical testing. Allele origin: germline.

Literature cited by the submitters: PubMed 28686619 (cited by Women's Health and Genetics/Laboratory Corporation of America, LabCorp).